The following is an entry in ClinVar:

ClinVar aggregate classification (germline): Uncertain significance (1 of 4 stars; one submission).

Conditions:
Inborn genetic diseases. Identifiers: MedGen C0950123, MeSH D030342.

Submission:

Ambry Genetics
Classification: Uncertain significance for Inborn genetic diseases. Last evaluated: 2021-06-11. Review status: criteria provided, single submitter. Criteria: Ambry Variant Classification Scheme 2023. Collection method: clinical testing. Allele origin: germline.
Comment: The c.1271G>A (p.S424N) alteration is located in exon 5 (coding exon 3) of the RLIM gene. This alteration results from a G to A substitution at nucleotide position 1271, causing the serine (S) at amino acid position 424 to be replaced by an asparagine (N). Based on data from the Genome Aggregation Database (gnomAD), the RLIM c.1271G>A alteration was not observed, with coverage at this position. This amino acid position is not well conserved in available vertebrate species. The p.S424N alteration is predicted to be tolerated by in silico analysis. Based on insufficient or conflicting evidence, the clinical significance of this alteration remains unclear.

NM_016120.4(RLIM):c.1271G>A (p.Ser424Asn)

Gene: RLIM (ring finger protein, LIM domain interacting; minus strand). Cytogenetic location: Xq13.2.
Variant type: single nucleotide variant.
Coding change: c.1271G>A on transcript NM_016120.4 (MANE Select); coding-DNA position 1271, G replaced by A.
Protein change: p.Ser424Asn; replaces serine 424 with asparagine.
Molecular consequence: missense variant.
Genome position (GRCh38, 1-based): chrX:74,592,044, C>T on the plus strand (G>A on the coding strand, the complement: RLIM is on the minus strand). VCF-style: chrX-74592044-C-T. GRCh37 (hg19) VCF-style: chrX-73811879-C-T.
Other names: c.1271G>A, p.Ser424Asn (NM_183353.3); short protein forms S424N.
Identifiers: ClinVar variation 2207485 (VCV002207485.2), dbSNP rs2519834216, ClinGen allele CA413660522.